The following is an entry in ClinVar:

NM_021964.3(ZNF148):c.745C>G (p.His249Asp)

Gene: ZNF148 (zinc finger protein 148; minus strand). Cytogenetic location: 3q21.2.
Variant type: single nucleotide variant.
Coding change: c.745C>G on transcript NM_021964.3 (MANE Select); coding-DNA position 745, C replaced by G.
Protein change: p.His249Asp; replaces histidine 249 with aspartic acid.
Molecular consequence: missense variant.
Genome position (GRCh38, 1-based): chr3:125,234,252, G>C on the plus strand (C>G on the coding strand, the complement: ZNF148 is on the minus strand). VCF-style: chr3-125234252-G-C. GRCh37 (hg19) VCF-style: chr3-124953096-G-C.
Other names: c.745C>G, p.His249Asp (NM_001348424.1, NM_001348425.2, NM_001348426.2 and 7 more transcripts); c.619C>G, p.His207Asp (NM_001348434.2); short protein forms H207D, H249D.
Identifiers: ClinVar variation 4070876 (VCV004070876.2).

ClinVar aggregate classification (germline): Uncertain significance (1 of 4 stars; one submission).

Submission:

GeneDx
Classification: Uncertain significance. Last evaluated: 2026-02-19. Review status: criteria provided, single submitter. Criteria: GeneDx Variant Classification Process June 2021. Collection method: clinical testing. Allele origin: germline.
Comment: Not observed at significant frequency in large population cohorts (gnomAD); In silico analysis supports that this missense variant has a deleterious effect on protein structure/function; Has not been previously published as pathogenic or benign to our knowledge